The following is an entry in ClinVar:

NM_001308120.2(TOGARAM1):c.1710G>A (p.Gln570=)

Gene: TOGARAM1 (TOG array regulator of axonemal microtubules 1; plus strand). Cytogenetic location: 14q21.2.
Variant type: single nucleotide variant.
Coding change: c.1710G>A on transcript NM_001308120.2 (MANE Select); coding-DNA position 1710, G replaced by A.
Protein change: p.Gln570=; no amino-acid change (glutamine 570 retained).
Molecular consequence: synonymous variant. On other transcripts: non-coding transcript variant (1).
Genome position (GRCh38, 1-based): chr14:44,964,131, G>A. VCF-style: chr14-44964131-G-A. GRCh37 (hg19) VCF-style: chr14-45433334-G-A.
Other names: c.1710G>A, p.Gln570= (NM_015091.4).
Identifiers: ClinVar variation 5041306 (VCV005041306.1).

ClinVar aggregate classification (germline): Likely benign (1 of 4 stars; one submission).

gnomAD v4.1: 100 of 1,614,108 alleles (0.0062%); highest among the groups gnomAD compares: Admixed American, 0.0083%; no homozygotes.

Submission:

CeGaT Center for Human Genetics Tuebingen
Classification: Likely benign. Last evaluated: 2026-09-01. Review status: criteria provided, single submitter. Criteria: CeGaT Center For Human Genetics Tuebingen Variant Classification Criteria Version 2. Collection method: clinical testing. Allele origin: germline. Affected: yes. Observed: 1 variant allele.
Comment: TOGARAM1: BP4, BP7